The following is an entry in ClinVar:

ClinVar aggregate classification (germline): Likely pathogenic (3 of 4 stars; one submission).

Conditions:
RPGR-related retinopathy. Also called: RPGR retinopathy. Identifiers: MedGen CN305589, MONDO:0100437.

Submission:

ClinGen X-linked Inherited Retinal Disease Variant Curation Expert Panel, ClinGen
Classification: Likely pathogenic for RPGR-related retinopathy. Last evaluated: 2026-09-26. Review status: reviewed by expert panel. Criteria: ClinGen X LinkedIRD ACMG Specifications RPGR V1.0.0. Collection method: curation. Allele origin: germline. Inheritance: X-linked inheritance.
Comment: The NM_001034853.2(RPGR):c.934G>C variant is a predicted missense variant encoding the substitution of aspartic acid with histidine at amino acid 312. However, the splicing impact predictor SpliceAI gives a score of 0.97 (donor loss), which is above the ClinGen X-linked IRD VCEP recommended threshold of ≥0.2 and predicts a damaging impact on splicing (PP3). The variant is located outside the +/- 1,2 dinucleotide and another variant with the same predicted splicing impact, c.934+1G>T, was previously classified as a pathogenic variant in the same donor/acceptor motif for the RPGR-related X-linked IRD VCEP (PS1_moderate). This variant is absent from hemizygous individuals in gnomAD v4.1.0 (PM2_Supporting). At least one proband harboring this variant exhibits a phenotype including childhood-onset (1), decreased central vision acuity (0.5), night blindness (0.5), optic nerve pallor (0.5), pigmentary retinopathy (0.5), rod cone dystrophy (1), X-linked inheritance (2), which together are specific for RPGR-related recessive retinopathy (6 points, PMID: 36882936, PP4). The variant has been reported to segregate with retinal dystrophy through at least 2 affected meiosis from 1 family. (PP1; PMID: 36882936).In summary, this variant is classified as likely pathogenic for RPGR-related retinopathy based on the ClinGen X-linked Inherited Retinal Disease Expert Panel Specifications to the ACMG/AMP Variant Interpretation Guidelines for RPGR Version 1.0.0: PS1_moderate, PP3, PP4, PP1, and PM2_supporting.

NM_001034853.2(RPGR):c.934G>C (p.Asp312His)

Gene: RPGR (retinitis pigmentosa GTPase regulator; minus strand). Cytogenetic location: Xp11.4.
Variant type: single nucleotide variant.
Coding change: c.934G>C on transcript NM_001034853.2 (MANE Select); coding-DNA position 934, G replaced by C.
Protein change: p.Asp312His; replaces aspartic acid 312 with histidine.
Molecular consequence: missense variant. On other transcripts: non-coding transcript variant (5).
Genome position (GRCh38, 1-based): chrX:38,304,635, C>G on the plus strand (G>C on the coding strand, the complement: RPGR is on the minus strand). VCF-style: chrX-38304635-C-G. GRCh37 (hg19) VCF-style: chrX-38163888-C-G.
Other names: NM_001034853.2:c.934G>C; c.934G>C, p.Asp312His (NM_000328.3, NM_001367246.1, NM_001367247.1 and 1 more transcripts); c.931G>C, p.Asp311His (NM_001367245.1, NM_001367249.1, NM_001367250.1); c.964G>C, p.Asp322His (NM_001367248.1); short protein forms D311H, D322H, D312H.
Identifiers: ClinVar variation 4976911 (VCV004976911.1).